The following is an entry in ClinVar:

NM_003923.3(FOXH1):c.236A>G (p.Asp79Gly)

Gene: FOXH1 (forkhead box H1; minus strand). Cytogenetic location: 8q24.3.
Variant type: single nucleotide variant.
Coding change: c.236A>G on transcript NM_003923.3 (MANE Select); coding-DNA position 236, A replaced by G.
Protein change: p.Asp79Gly; replaces aspartic acid 79 with glycine.
Molecular consequence: missense variant.
Genome position (GRCh38, 1-based): chr8:144,475,200, T>C on the plus strand (A>G on the coding strand, the complement: FOXH1 is on the minus strand). VCF-style: chr8-144475200-T-C. GRCh37 (hg19) VCF-style: chr8-145700583-T-C.
Other names: short protein forms D79G.
Identifiers: ClinVar variation 3373438 (VCV003373438.2).

ClinVar aggregate classification (germline): Uncertain significance (1 of 4 stars; one submission).

gnomAD v4.1: 8 of 1,613,428 alleles (0.0005%); highest among the groups gnomAD compares: Non-Finnish European, 0.00068%; no homozygotes.

Submission:

GeneDx
Classification: Uncertain significance. Last evaluated: 2025-10-29. Review status: criteria provided, single submitter. Criteria: GeneDx Variant Classification Process June 2021. Collection method: clinical testing. Allele origin: germline. Affected: yes.
Comment: Not observed at significant frequency in large population cohorts (gnomAD); In silico analysis supports that this missense variant has a deleterious effect on protein structure/function; Has not been previously published as pathogenic or benign to our knowledge